The following is an entry in ClinVar:

NM_000284.4(PDHA1):c.456G>A (p.Ser152=)

Gene: PDHA1 (pyruvate dehydrogenase E1 subunit alpha 1; plus strand). Cytogenetic location: Xp22.12.
Variant type: single nucleotide variant.
Coding change: c.456G>A on transcript NM_000284.4 (MANE Select); coding-DNA position 456, G replaced by A.
Protein change: p.Ser152=; no amino-acid change (serine 152 retained).
Molecular consequence: synonymous variant.
Genome position (GRCh38, 1-based): chrX:19,353,119, G>A. VCF-style: chrX-19353119-G-A. GRCh37 (hg19) VCF-style: chrX-19371237-G-A.
Other names: c.570G>A, p.Ser190= (NM_001173454.2); c.477G>A, p.Ser159= (NM_001173455.2); c.456G>A, p.Ser152= (NM_001173456.2).
Identifiers: ClinVar variation 512149 (VCV000512149.9), dbSNP rs1358837850, ClinGen allele CA515485881.

ClinVar aggregate classification (germline): Likely benign. Review status: criteria provided, multiple submitters, no conflicts (2 of 4 stars). 3 submissions from 3 submitters: Likely benign (3). Last evaluated 2024-01-02.

Conditions:
Pyruvate dehydrogenase E1-alpha deficiency (PDHAD). Also called: Ataxia, intermittent, with pyruvate dehydrogenase, or decarboxylase, deficiency; ATAXIA, INTERMITTENT, WITH PYRUVATE DEHYDROGENASE DEFICIENCY; ATAXIA WITH LACTIC ACIDOSIS I; ATAXIA, INTERMITTENT, WITH ABNORMAL PYRUVATE METABOLISM. Identifiers: Orphanet 79243, MedGen C1839413, MONDO:0010717, OMIM 312170.

Allele frequency attached by ClinVar (database versions not stated): TOPMed below 0.00001.

Submissions (3):

Women's Health and Genetics/Laboratory Corporation of America, LabCorp
Classification: Likely benign. Last evaluated: 2024-01-02. Review status: criteria provided, single submitter. Criteria: LabCorp Variant Classification Summary - May 2015. Collection method: clinical testing. Allele origin: germline.

Labcorp Genetics (formerly Invitae), Labcorp
Classification: Likely benign for Pyruvate dehydrogenase E1-alpha deficiency. Last evaluated: 2021-04-10. Review status: criteria provided, single submitter. Criteria: Invitae Variant Classification Sherloc (09022015). Collection method: clinical testing. Allele origin: germline.

GeneDx
Classification: Likely benign. Last evaluated: 2017-10-05. Review status: criteria provided, single submitter. Criteria: GeneDx Variant Classification (06012015). Collection method: clinical testing. Allele origin: germline. Affected: yes.
Comment: This variant is considered likely benign or benign based on one or more of the following criteria: it is a conservative change, it occurs at a poorly conserved position in the protein, it is predicted to be benign by multiple in silico algorithms, and/or has population frequency not consistent with disease.